The following is an entry in ClinVar:

ClinVar aggregate classification (germline): Uncertain significance (1 of 4 stars; one submission).

gnomAD v4.1: 3 of 1,614,212 alleles (0.00019%); highest among the groups gnomAD compares: East Asian, 0.0022%; no homozygotes.

Submission:

Labcorp Genetics (formerly Invitae), Labcorp
Classification: Uncertain significance. Last evaluated: 2024-01-02. Review status: criteria provided, single submitter. Criteria: Invitae Variant Classification Sherloc (09022015). Collection method: clinical testing. Allele origin: germline.
Comment: This sequence change replaces leucine, which is neutral and non-polar, with valine, which is neutral and non-polar, at codon 779 of the SRRM2 protein (p.Leu779Val). This variant is present in population databases (rs748777934, gnomAD 0.006%). This variant has not been reported in the literature in individuals affected with SRRM2-related conditions. Experimental studies and prediction algorithms are not available or were not evaluated, and the functional significance of this variant is currently unknown. In summary, the available evidence is currently insufficient to determine the role of this variant in disease. Therefore, it has been classified as a Variant of Uncertain Significance.

NM_016333.4(SRRM2):c.2335C>G (p.Leu779Val)

Gene: SRRM2 (serine/arginine repetitive matrix 2; plus strand). Cytogenetic location: 16p13.3.
Variant type: single nucleotide variant.
Coding change: c.2335C>G on transcript NM_016333.4 (MANE Select); coding-DNA position 2335, C replaced by G.
Protein change: p.Leu779Val; replaces leucine 779 with valine.
Molecular consequence: missense variant.
Genome position (GRCh38, 1-based): chr16:2,762,863, C>G. VCF-style: chr16-2762863-C-G. GRCh37 (hg19) VCF-style: chr16-2812864-C-G.
Other names: short protein forms L779V.
Identifiers: ClinVar variation 2961622 (VCV002961622.3), dbSNP rs748777934, ClinGen allele CA7847580.